The following is an entry in ClinVar:

NM_013266.4(CTNNA3):c.1340T>C (p.Ile447Thr)

Gene: CTNNA3 (catenin alpha 3; minus strand). Cytogenetic location: 10q21.3.
Variant type: single nucleotide variant.
Coding change: c.1340T>C on transcript NM_013266.4 (MANE Select); coding-DNA position 1340, T replaced by C.
Protein change: p.Ile447Thr; replaces isoleucine 447 with threonine.
Molecular consequence: missense variant.
Genome position (GRCh38, 1-based): chr10:66,621,726, A>G on the plus strand (T>C on the coding strand, the complement: CTNNA3 is on the minus strand). VCF-style: chr10-66621726-A-G. GRCh37 (hg19) VCF-style: chr10-68381484-A-G.
Other names: c.1340T>C, p.Ile447Thr (NM_001127384.3); short protein forms I447T.
Identifiers: ClinVar variation 4774281 (VCV004774281.1).

ClinVar aggregate classification (germline): Uncertain significance (1 of 4 stars; one submission).

Conditions:
Arrhythmogenic right ventricular dysplasia 13. Also called: ARRHYTHMOGENIC RIGHT VENTRICULAR CARDIOMYOPATHY 13; Arrhythmogenic right ventricular dysplasia, familial, 13. Identifiers: MedGen C3810138, MONDO:0000908, OMIM 615616.

gnomAD v4.1: 2 of 1,612,272 alleles (0.00012%); highest among the groups gnomAD compares: Admixed American, 0.0033%; no homozygotes.

Submission:

Labcorp Genetics (formerly Invitae), Labcorp
Classification: Uncertain significance for Arrhythmogenic right ventricular dysplasia 13. Last evaluated: 2026-01-07. Review status: criteria provided, single submitter. Criteria: Invitae Variant Classification Sherloc (09022015). Collection method: clinical testing. Allele origin: germline.
Comment: This sequence change replaces isoleucine, which is neutral and non-polar, with threonine, which is neutral and polar, at codon 447 of the CTNNA3 protein (p.Ile447Thr). This variant is not present in population databases (gnomAD no frequency). This variant has not been reported in the literature in individuals affected with CTNNA3-related conditions. Invitae Evidence Modeling of protein sequence and biophysical properties (such as structural, functional, and spatial information, amino acid conservation, physicochemical variation, residue mobility, and thermodynamic stability) indicates that this missense variant is not expected to disrupt CTNNA3 protein function with a negative predictive value of 80%. In summary, the available evidence is currently insufficient to determine the role of this variant in disease. Therefore, it has been classified as a Variant of Uncertain Significance.